The following is an entry in ClinVar:

ClinVar aggregate classification (germline): Benign. Review status: criteria provided, multiple submitters, no conflicts (2 of 4 stars). 2 submissions from 2 submitters: Benign (2). Last evaluated 2024-07-15.

Allele frequency attached by ClinVar (database versions not stated): 1000 Genomes Project 30x 0.25781; 1000 Genomes Project 0.26038; TOPMed 0.29584; gnomAD 0.31115 and 0.31333; ESP Exome Variant Server 0.32613; gnomAD exomes 0.35091; ExAC 0.35685.
gnomAD v4.1: 564,498 of 1,490,918 alleles (38%); highest among the groups gnomAD compares: Middle Eastern, 49%; 112,355 homozygotes.

Submissions (2):

Unidad de Genómica Garrahan, Hospital de Pediatría Garrahan
Classification: Benign. Last evaluated: 2024-07-15. Review status: criteria provided, single submitter. Criteria: ACMG Guidelines, 2015. Collection method: clinical testing. Allele origin: germline. Affected: no. Observed: 49 variant alleles.
Comment: This variant is classified as Benign based on local population frequency. This variant was detected in 53% of patients studied in a panel designed for Epileptic and Developmental Encephalopathy and Progressive Myoclonus Epilepsy. Number of patients: 49. Only high quality variants are reported.

GeneDx
Classification: Benign. Last evaluated: 2018-11-10. Review status: criteria provided, single submitter. Criteria: GeneDx Variant Classification Process June 2021. Collection method: clinical testing. Allele origin: germline. Affected: yes.

NM_012120.3(CD2AP):c.1045+36C>A

Gene: CD2AP (CD2 associated protein; plus strand). Cytogenetic location: 6p12.3.
Variant type: single nucleotide variant.
Coding change: c.1045+36C>A on transcript NM_012120.3 (MANE Select); 36 bases into the intron after coding-DNA position 1045, C replaced by A.
Molecular consequence: intron variant.
Genome position (GRCh38, 1-based): chr6:47,580,936, C>A. VCF-style: chr6-47580936-C-A. GRCh37 (hg19) VCF-style: chr6-47548672-C-A.
Identifiers: ClinVar variation 1244190 (VCV001244190.4), dbSNP rs1014001, ClinGen allele CA3844199.